The following is an entry in ClinVar:

NM_025179.4(PLXNA2):c.3321C>T (p.Arg1107=)

Gene: PLXNA2 (plexin A2; minus strand). Cytogenetic location: 1q32.2.
Variant type: single nucleotide variant.
Coding change: c.3321C>T on transcript NM_025179.4 (MANE Select); coding-DNA position 3321, C replaced by T.
Protein change: p.Arg1107=; no amino-acid change (arginine 1107 retained).
Molecular consequence: synonymous variant.
Genome position (GRCh38, 1-based): chr1:208,046,052, G>A on the plus strand (C>T on the coding strand, the complement: PLXNA2 is on the minus strand). VCF-style: chr1-208046052-G-A. GRCh37 (hg19) VCF-style: chr1-208219397-G-A.
Identifiers: ClinVar variation 3353316 (VCV003353316.1).

ClinVar aggregate classification (germline): Likely benign (0 of 4 stars; one submission).

Conditions:
PLXNA2-related disorder. Also called: PLXNA2-related condition.

gnomAD v4.1: 3 of 1,614,258 alleles (0.00019%); highest among the groups gnomAD compares: South Asian, 0.0022%; no homozygotes.

Submission:

PreventionGenetics, part of Exact Sciences
Classification: Likely benign for PLXNA2-related condition. Last evaluated: 2022-04-12. Review status: no assertion criteria provided. Collection method: clinical testing. Allele origin: germline.
Comment: This variant is classified as likely benign based on ACMG/AMP sequence variant interpretation guidelines (Richards et al. 2015 PMID: 25741868, with internal and published modifications).